The following is an entry in ClinVar:

NM_001005751.3(WASHC2A):c.3938G>A (p.Arg1313Gln)

Gene: WASHC2A (WASH complex subunit 2A; plus strand). Cytogenetic location: 10q11.23.
Variant type: single nucleotide variant.
Coding change: c.3938G>A on transcript NM_001005751.3 (MANE Select); coding-DNA position 3938, G replaced by A.
Protein change: p.Arg1313Gln; replaces arginine 1313 with glutamine.
Molecular consequence: missense variant.
Genome position (GRCh38, 1-based): chr10:50,132,857, G>A. VCF-style: chr10-50132857-G-A. GRCh37 (hg19) VCF-style: chr10-51892617-G-A.
Other names: c.3875G>A, p.Arg1292Gln (NM_001291398.2); c.3752G>A, p.Arg1251Gln (NM_001330102.2); short protein forms R1251Q, R1292Q, R1313Q.
Identifiers: ClinVar variation 2640468 (VCV002640468.24), dbSNP rs200743948, ClinGen allele CA5501850.

ClinVar aggregate classification (germline): Likely benign (1 of 4 stars; one submission).

Allele frequency attached by ClinVar (database versions not stated): 1000 Genomes Project 0.00300; 1000 Genomes Project 30x 0.00312; ESP Exome Variant Server 0.00384.
gnomAD v4.1: 5,200 of 1,611,444 alleles (0.32%); highest among the groups gnomAD compares: Middle Eastern, 1.2%; no homozygotes.

Submission:

CeGaT Center for Human Genetics Tuebingen
Classification: Likely benign. Last evaluated: 2022-12-01. Review status: criteria provided, single submitter. Criteria: CeGaT Center For Human Genetics Tuebingen Variant Classification Criteria Version 2. Collection method: clinical testing. Allele origin: germline. Affected: yes. Observed: 1 variant allele.
Comment: WASHC2A: BP4, BS2